The following is an entry in ClinVar:

NM_000452.3(SLC10A2):c.292G>A (p.Val98Ile)

Gene: SLC10A2 (solute carrier family 10 member 2; minus strand). Cytogenetic location: 13q33.1.
Variant type: single nucleotide variant.
Coding change: c.292G>A on transcript NM_000452.3 (MANE Select); coding-DNA position 292, G replaced by A.
Protein change: p.Val98Ile; replaces valine 98 with isoleucine.
Molecular consequence: missense variant.
Genome position (GRCh38, 1-based): chr13:103,065,958, C>T on the plus strand (G>A on the coding strand, the complement: SLC10A2 is on the minus strand). VCF-style: chr13-103065958-C-T. GRCh37 (hg19) VCF-style: chr13-103718308-C-T.
Other names: p.Val98Ile; short protein forms V98I.
Identifiers: ClinVar variation 593350 (VCV000593350.11), dbSNP rs55971546, ClinGen allele CA7042295.

ClinVar aggregate classification (germline): Benign/Likely benign. Review status: criteria provided, multiple submitters, no conflicts (2 of 4 stars). 4 submissions from 4 submitters: Benign (3); Likely benign (1). Last evaluated 2026-02-04.

Allele frequency attached by ClinVar (database versions not stated): 1000 Genomes Project 0.01398; 1000 Genomes Project 30x 0.01468; TOPMed 0.02686; gnomAD 0.02714 and 0.02814; ExAC 0.02754; ESP Exome Variant Server 0.02922.

Submissions (4):

Labcorp Genetics (formerly Invitae), Labcorp
Classification: Benign. Last evaluated: 2026-02-04. Review status: criteria provided, single submitter. Criteria: Invitae Variant Classification Sherloc (09022015). Collection method: clinical testing. Allele origin: germline.

Mayo Clinic Laboratories, Mayo Clinic
Classification: Likely benign. Last evaluated: 2025-03-25. Review status: criteria provided, single submitter. Criteria: ACMG Guidelines, 2015. Collection method: clinical testing. Allele origin: germline. Observed: 29 variant alleles.
Comment: BA1, BP4_moderate

Eurofins Ntd Llc (ga)
Classification: Benign. Last evaluated: 2017-07-20. Review status: criteria provided, single submitter. Criteria: EGL Classification Definitions 2015. Collection method: clinical testing. Allele origin: germline.

Breakthrough Genomics
Classification: Benign. Review status: criteria provided, single submitter. Criteria: ACMG Guidelines, 2015. Collection method: not provided. Allele origin: germline. Inheritance: Autosomal recessive inheritance. Affected: yes.